The following is an entry in ClinVar:

GRCh38/hg38 3q13.11-13.13(chr3:103692220-109605902)x1

Genes: MIR4445 (microRNA 4445; plus strand), MORC1 (MORC family CW-type zinc finger 1; minus strand), MORC1-AS1 (MORC1 antisense RNA 1; plus strand), MYH15 (myosin heavy chain 15; minus strand), RETNLB (resistin like beta; minus strand) and 86 more. Cytogenetic location: 3q13.11-13.13.
Variant type: copy number loss.
Change: copy number 1 (one copy instead of two) of chr3:103,692,220-109,605,902 (5.91 Mb, GRCh38 coordinates, 1-based), cytogenetic band 3q13.11-13.13.
Identifiers: ClinVar variation 57243 (VCV000057243.1).

ClinVar aggregate classification (germline): Pathogenic (1 of 4 stars; one submission).

Submission:

ISCA site 4
Classification: Pathogenic. Last evaluated: 2011-08-12. Review status: criteria provided, single submitter. Criteria: Kaminsky et al. (Genet Med. 2011). Collection method: clinical testing. Allele origin: unknown. Affected: yes. Observed: 1 variant allele.
Comment: Copy number variation identified through the course of routine clinical cytogenomic testing in postnatal populations. Clinical assertions have been curated as described in Kaminsky et al. 2011.